The following is an entry in ClinVar:

ClinVar aggregate classification (germline): Uncertain significance (1 of 4 stars; one submission).

Allele frequency attached by ClinVar (database versions not stated): ExAC 0.00004; gnomAD 0.00006; TOPMed 0.00006; gnomAD exomes 0.00008.
gnomAD v4.1: 124 of 1,614,130 alleles (0.0077%); highest among the groups gnomAD compares: Non-Finnish European, 0.01%; no homozygotes.

Submission:

Labcorp Genetics (formerly Invitae), Labcorp
Classification: Uncertain significance. Last evaluated: 2023-03-19. Review status: criteria provided, single submitter. Criteria: Invitae Variant Classification Sherloc (09022015). Collection method: clinical testing. Allele origin: germline.
Comment: In summary, the available evidence is currently insufficient to determine the role of this variant in disease. Therefore, it has been classified as a Variant of Uncertain Significance. An algorithm developed to predict the effect of missense changes on protein structure and function (PolyPhen-2) suggests that this variant is likely to be disruptive. ClinVar contains an entry for this variant (Variation ID: 2084686). This variant has not been reported in the literature in individuals affected with FBXW4-related conditions. This variant is present in population databases (rs778569309, gnomAD 0.005%). This sequence change replaces arginine, which is basic and polar, with cysteine, which is neutral and slightly polar, at codon 390 of the FBXW4 protein (p.Arg390Cys).

NM_022039.4(FBXW4):c.1633C>T (p.Arg545Cys)

Gene: FBXW4 (F-box and WD repeat domain containing 4; minus strand). Cytogenetic location: 10q24.32.
Variant type: single nucleotide variant.
Coding change: c.1633C>T on transcript NM_022039.4 (MANE Select); coding-DNA position 1633, C replaced by T.
Protein change: p.Arg545Cys; replaces arginine 545 with cysteine.
Molecular consequence: missense variant. On other transcripts: non-coding transcript variant (1).
Genome position (GRCh38, 1-based): chr10:101,611,362, G>A on the plus strand (C>T on the coding strand, the complement: FBXW4 is on the minus strand). VCF-style: chr10-101611362-G-A. GRCh37 (hg19) VCF-style: chr10-103371119-G-A.
Other names: c.907C>T, p.Arg303Cys (NM_001323541.2); short protein forms R545C, R303C.
Identifiers: ClinVar variation 2084686 (VCV002084686.4), dbSNP rs778569309, ClinGen allele CA5657166.